The following is an entry in ClinVar:

ClinVar aggregate classification (germline): Uncertain significance (1 of 4 stars; one submission).

Conditions:
Hereditary cancer-predisposing syndrome. Also called: Tumor predisposition; Hereditary neoplastic syndrome; Hereditary Cancer Syndrome; Neoplastic Syndromes, Hereditary. Identifiers: Orphanet 140162, MedGen C0027672, MeSH D009386, MONDO:0015356.

gnomAD v4.1: 1 of 1,613,908 alleles (0.000062%); highest among the groups gnomAD compares: Non-Finnish European, 0.000085%; no homozygotes.

Submission:

Ambry Genetics
Classification: Uncertain significance for Hereditary cancer-predisposing syndrome. Last evaluated: 2025-06-14. Review status: criteria provided, single submitter. Criteria: Ambry Variant Classification Scheme 2023. Collection method: clinical testing. Allele origin: germline.
Comment: The p.D1075H variant (also known as c.3223G>C), located in coding exon 22 of the PDGFRA gene, results from a G to C substitution at nucleotide position 3223. The aspartic acid at codon 1075 is replaced by histidine, an amino acid with similar properties. This amino acid position is conserved. In addition, the in silico prediction for this alteration is inconclusive. Based on the available evidence, the clinical significance of this variant remains unclear.

NM_006206.6(PDGFRA):c.3223G>C (p.Asp1075His)

Gene: PDGFRA (platelet derived growth factor receptor alpha; plus strand). Cytogenetic location: 4q12.
Variant type: single nucleotide variant.
Coding change: c.3223G>C on transcript NM_006206.6 (MANE Select); coding-DNA position 3223, G replaced by C.
Protein change: p.Asp1075His; replaces aspartic acid 1075 with histidine.
Molecular consequence: missense variant.
Genome position (GRCh38, 1-based): chr4:54,295,225, G>C. VCF-style: chr4-54295225-G-C. GRCh37 (hg19) VCF-style: chr4-55161392-G-C.
Other names: c.3298G>C, p.Asp1100His (NM_001347828.2); c.3223G>C, p.Asp1075His (NM_001347829.2); c.3262G>C, p.Asp1088His (NM_001347830.2); short protein forms D1075H, D1088H, D1100H.
Identifiers: ClinVar variation 3930236 (VCV003930236.1).
Genomic context (GRCh38, chr4:54,295,225, plus strand): 5'-AGCAGTTCCACCTTCATCAAGAGAGAGGACGAGACCATTGAAGACATCGACATGATGGAT[G>C]ACATCGGCATAGACTCTTCAGACCTGGTGGAAGACAGCTTCCTGTAACTGGCGGATTCGA-3'
Protein context (NP_006197.1, residues 1065-1085): ETIEDIDMMD[Asp1075His]IGIDSSDLVE